The following is an entry in ClinVar:

ClinVar aggregate classification (germline): Pathogenic (1 of 4 stars; one submission).

Conditions:
Nephronophthisis. Also called: Juvenile Nephronophthisis. Identifiers: Orphanet 655, MedGen C0687120, MONDO:0019005, HP:0000090.

Allele frequency attached by ClinVar (database versions not stated): gnomAD exomes below 0.00001.
gnomAD v4.1: 1 of 1,614,066 alleles (0.000062%); highest among the groups gnomAD compares: Non-Finnish European, 0.000085%; no homozygotes.

Submission:

Labcorp Genetics (formerly Invitae), Labcorp
Classification: Pathogenic for Nephronophthisis. Last evaluated: 2022-10-04. Review status: criteria provided, single submitter. Criteria: Invitae Variant Classification Sherloc (09022015). Collection method: clinical testing. Allele origin: germline.
Comment: For these reasons, this variant has been classified as Pathogenic. ClinVar contains an entry for this variant (Variation ID: 1376656). This variant has not been reported in the literature in individuals affected with NPHP3-related conditions. This variant is not present in population databases (gnomAD no frequency). This sequence change creates a premature translational stop signal (p.Glu1147*) in the NPHP3 gene. It is expected to result in an absent or disrupted protein product. Loss-of-function variants in NPHP3 are known to be pathogenic (PMID: 18371931, 23559409).

Literature cited by the submitters: PubMed 18371931; PubMed 23559409.

NM_153240.5(NPHP3):c.3439G>T (p.Glu1147Ter)

Genes: NPHP3 (nephrocystin 3; minus strand), NPHP3-ACAD11 (NPHP3-ACAD11 readthrough (NMD candidate); minus strand). Cytogenetic location: 3q22.1.
Variant type: single nucleotide variant.
Coding change: c.3439G>T on transcript NM_153240.5 (MANE Select); coding-DNA position 3439, G replaced by T.
Protein change: p.Glu1147Ter; replaces glutamic acid 1147 with a stop codon.
Molecular consequence: nonsense. On other transcripts: non-coding transcript variant (1).
Genome position (GRCh38, 1-based): chr3:132,684,685, C>A on the plus strand (G>T on the coding strand, the complement: NPHP3 is on the minus strand). VCF-style: chr3-132684685-C-A. GRCh37 (hg19) VCF-style: chr3-132403529-C-A.
Other names: short protein forms E1147*.
Identifiers: ClinVar variation 1376656 (VCV001376656.6), dbSNP rs2107963367, ClinGen allele CA354579009.